The following continues an entry in ClinVar:

NM_000059.4(BRCA2):c.831T>G (p.Asn277Lys)

Gene: BRCA2. ClinVar aggregate classification (germline): Benign. Benign (1).

Submissions 11 to 27 of 27:

GeneDx
Classification: Likely benign. Last evaluated: 2020-08-31. Review status: criteria provided, single submitter. Criteria: GeneDx Variant Classification Process June 2021. Collection method: clinical testing. Allele origin: germline. Affected: yes. Not counted in ClinVar's aggregate classification.
Comment: This variant is associated with the following publications: (PMID: 16683254, 21952622, 28435519, 31432501, 22771033, 18724707, 10923033, 21533266, 27153395, 24817641, 25348012, 22476429, 31131967)

ARUP Laboratories, Molecular Genetics and Genomics, ARUP Laboratories
Classification: Uncertain significance. Last evaluated: 2020-06-15. Review status: criteria provided, single submitter. Criteria: ARUP Molecular Germline Variant Investigation Process. Collection method: clinical testing. Allele origin: germline. Not counted in ClinVar's aggregate classification.
Comment: The BRCA2 c.831T>G; p.Asn277Lys variant (rs28897705) is reported in the literature in individuals affected with breast, ovarian, prostate, or pancreatic cancer, although it was not demonstrated to be disease-causing (Kote-Jarai 2011, Schubert 2017, Schwartz 2019, van der Hout 2006). This variant is found in the non-Finnish European population with an overall allele frequency of 0.01% (19/127296 alleles) in the Genome Aggregation Database. The asparagine at codon 277 is moderately conserved, and computational analyses (SIFT, PolyPhen-2) predict that this variant is deleterious. Consistent with predictions, one study observed the p.Asn277Lys variant disrupted interactions with factors involved with cytokinesis, and its expression in cultured cells correlated with a higher percentage of multinucleate cells (Mondal 2012), although the clinical significance of these observations has not been demonstrated. Due to limited information, the clinical significance of the p.Asn277Lys variant is uncertain at this time. References: Kote-Jarai Z et al. BRCA2 is a moderate penetrance gene contributing to young-onset prostate cancer: implications for genetic testing in prostate cancer patients. Br J Cancer. 2011;105(8):1230-1234. Mondal G et al. BRCA2 localization to the midbody by filamin A regulates cep55 signaling and completion of cytokinesis. Dev Cell. 2012;23(1):137-152. Schubert S et al. GT198 (PSMC3IP) germline variants in early-onset breast cancer patients from hereditary breast and ovarian cancer families. Genes Cancer. 2017;8(1-2):472-483. Schwartz M et al. Familial pancreatic adenocarcinoma: A retrospective analysis of germline genetic testing in a French multicentre cohort. Clin Genet. 2019;96(6):579-584. van der Hout AH et al. A DGGE system for comprehensive mutation screening of BRCA1 and BRCA2: application in a Dutch cancer clinic setting. Hum Mutat. 2006;27(7):654-666.

Ambry Genetics
Classification: Likely benign for Hereditary cancer-predisposing syndrome. Last evaluated: 2018-06-25. Review status: criteria provided, single submitter. Criteria: Ambry Variant Classification Scheme 2023. Collection method: clinical testing. Allele origin: germline. Not counted in ClinVar's aggregate classification.

Genome Diagnostics Laboratory, University Medical Center Utrecht
Classification: Likely benign for Breast-ovarian cancer, familial, susceptibility to, 2. Last evaluated: 2017-07-28. Review status: criteria provided, single submitter. Criteria: ACGS Guidelines, 2013. Collection method: clinical testing. Allele origin: germline. Affected: yes. Study: VKGL Data-share Consensus. Not counted in ClinVar's aggregate classification.

CHEO Genetics Diagnostic Laboratory, Children's Hospital of Eastern Ontario
Classification: Uncertain significance for Breast and/or ovarian cancer. Last evaluated: 2017-02-10. Review status: criteria provided, single submitter. Criteria: ACMG Guidelines, 2015. Collection method: clinical testing. Allele origin: germline. Study: Canadian Open Genetics Repository. Not counted in ClinVar's aggregate classification.

Laboratory for Molecular Medicine, Mass General Brigham Personalized Medicine
Classification: Uncertain significance. Last evaluated: 2016-10-20. Review status: criteria provided, single submitter. Criteria: LMM Criteria. Collection method: clinical testing. Allele origin: germline. Not counted in ClinVar's aggregate classification.
Comment: Variant identified in a genome or exome case(s) and assessed due to predicted null impact of the variant or pathogenic assertions in the literature or databases. Disclaimer: This variant has not undergone full assessment. The following are preliminary notes: 1 report identified this varint in a prostate cancer cohort - reported as unclassified variant; ClinVar: 3 VUS, 2 LB/B

Color Diagnostics, LLC DBA Color Health
Classification: Likely benign for Hereditary cancer-predisposing syndrome. Last evaluated: 2016-01-13. Review status: criteria provided, single submitter. Criteria: ACMG Guidelines, 2015. Collection method: clinical testing. Allele origin: germline. Not counted in ClinVar's aggregate classification.

Clinical Genetics DNA and cytogenetics Diagnostics Lab, Erasmus MC, Erasmus Medical Center
Classification: Likely benign for Breast-ovarian cancer, familial, susceptibility to, 2. Last evaluated: 2015-09-21. Review status: criteria provided, single submitter. Criteria: ACGS Guidelines, 2013. Collection method: clinical testing. Allele origin: germline. Affected: yes. Study: VKGL Data-share Consensus. Not counted in ClinVar's aggregate classification.

Molecular Genetics Laboratory, University of Michigan
Classification: Benign for Breast-ovarian cancer, familial, susceptibility to, 2. Last evaluated: 2014-11-03. Review status: criteria provided, single submitter. Criteria: ACMG Guidelines, 2015. Collection method: clinical testing. Allele origin: germline. Affected: yes. Not counted in ClinVar's aggregate classification.

BRCAlab, Lund University
Classification: Benign for Breast-ovarian cancer, familial, susceptibility to, 2. Last evaluated: 2024-01-17. Review status: no assertion criteria provided. Collection method: clinical testing. Allele origin: germline. Affected: yes. Not counted in ClinVar's aggregate classification.

Sharing Clinical Reports Project (SCRP)
Classification: Benign for Breast-ovarian cancer, familial 2. Last evaluated: 2009-06-16. Review status: no assertion criteria provided. Collection method: clinical testing. Allele origin: germline. Not counted in ClinVar's aggregate classification.

Breast Cancer Information Core (BIC) (BRCA2)
Classification: Uncertain significance for Breast-ovarian cancer, familial 2. Last evaluated: 2002-05-29. Review status: no assertion criteria provided. Collection method: clinical testing. Allele origin: germline. Affected: yes. Observed: 12 variant alleles. Not counted in ClinVar's aggregate classification.

Clinical Genetics Laboratory, Department of Pathology, Netherlands Cancer Institute
Classification: Likely benign. Review status: no assertion criteria provided. Collection method: clinical testing. Allele origin: germline. Affected: yes. Study: VKGL Data-share Consensus. Not counted in ClinVar's aggregate classification.

Department of Pathology and Laboratory Medicine, Sinai Health System
Classification: Likely benign for Malignant tumor of breast. Review status: no assertion criteria provided. Collection method: clinical testing. Allele origin: unknown. Affected: yes. Observed: 5 variant alleles. Study: The Canadian Open Genetics Repository (COGR). Not counted in ClinVar's aggregate classification.
Comment: The BRCA2 p.Asn277Lys variant was identified in 1 of 8048 proband chromosomes (frequency: 0.0001) from individuals or families with breast and ovarian cancer (van der Hout 2006). The variant was also identified in the following databases: dbSNP (ID: rs28897705) as With other allele, ClinVar (conflicting interpretations of pathogenicity), Clinvitae (conflicting interpretations of pathogenicity), COGR (uncertain significance), MutDB, LOVD 3.0 (26X), UMD-LSDB (16X likely neutral), BIC Database (12X unknown significance). The variant was not identified in Cosmic, ARUP Laboratories, or Zhejiang Colon Cancer Databases. In UMD the variant was identified with a co-occurring pathogenic BRCA2 variant (c.5909C>A (p.Ser1970X)), increasing the likelihood that the p.Asn277Lys variant does not have clinical significance. The variant was identified in control databases in 18 of 271412 chromosomes at a frequency of 0.000066 increasing the likelihood that this may be a low frequency variant in certain populations of origin (Genome Aggregation Consortium Feb 27, 2017). The functional study by Mondal (2012) suggested that the variant protein disrupted protein interactions, resulting in cytokinetic defects, but had no effect on BRCA2-dependent homologous recombination. The p.Asn277 residue is conserved in mammals but not in more distantly related organisms however four out of five computational analyses (PolyPhen-2, SIFT, AlignGVGD, BLOSUM, MutationTaster) do not suggest a high likelihood of impact to the protein; this information is not predictive enough to rule out pathogenicity. The variant occurs outside of the splicing consensus sequence and 2 of 5 in silico or computational prediction software programs (SpliceSiteFinder, MaxEntScan, NNSPLICE, GeneSplicer, HumanSpliceFinder) predict a greater than 10% difference in splicing; this is not very predictive of pathogenicity. In summary, based on the above information, the clinical significance of this variant cannot be determined with certainty at this time although we would lean towards a more benign role for this variant. This variant is classified as likely benign.

Diagnostic Laboratory, Department of Genetics, University Medical Center Groningen
Classification: Likely benign for Breast-ovarian cancer, familial, susceptibility to, 2. Review status: no assertion criteria provided. Collection method: clinical testing. Allele origin: germline. Affected: yes. Study: VKGL Data-share Consensus. Not counted in ClinVar's aggregate classification.

Joint Genome Diagnostic Labs from Nijmegen and Maastricht, Radboudumc and MUMC+
Classification: Likely benign. Review status: no assertion criteria provided. Collection method: clinical testing. Allele origin: germline. Affected: yes. Study: VKGL Data-share Consensus. Not counted in ClinVar's aggregate classification.

Laboratory of Diagnostic Genome Analysis, Leiden University Medical Center (LUMC)
Classification: Likely benign. Review status: no assertion criteria provided. Collection method: clinical testing. Allele origin: germline. Affected: yes. Study: VKGL Data-share Consensus. Not counted in ClinVar's aggregate classification.

Literature cited by the submitters: PubMed 33293522 (cited by 3 submitters); DOI 10.3390/ijms26135928 (cited by Dipartimento Di Medicina Di Precisione, Università Degli Studi Della Campania Luigi Vanvitelli); PubMed 21952622 (cited by 3 submitters); PubMed 22476429 (cited by Women's Health and Genetics/Laboratory Corporation of America, LabCorp and Sema4); PubMed 18724707 (cited by 3 submitters); PubMed 16683254 (cited by 3 submitters); PubMed 22771033 (cited by 3 submitters); PubMed 25348012 (cited by Women's Health and Genetics/Laboratory Corporation of America, LabCorp); PubMed 24817641 (cited by Women's Health and Genetics/Laboratory Corporation of America, LabCorp); PubMed 21533266 (cited by Women's Health and Genetics/Laboratory Corporation of America, LabCorp); PubMed 27153395 (cited by 3 submitters); PubMed 28435519 (cited by 3 submitters); PubMed 30086788 (cited by Women's Health and Genetics/Laboratory Corporation of America, LabCorp and Quest Diagnostics Nichols Institute San Juan Capistrano); PubMed 31432501 (cited by 3 submitters); PubMed 31112341 (cited by Women's Health and Genetics/Laboratory Corporation of America, LabCorp and Quest Diagnostics Nichols Institute San Juan Capistrano); PubMed 32438681 (cited by Women's Health and Genetics/Laboratory Corporation of America, LabCorp and Quest Diagnostics Nichols Institute San Juan Capistrano); PubMed 34597585 (cited by Women's Health and Genetics/Laboratory Corporation of America, LabCorp and Quest Diagnostics Nichols Institute San Juan Capistrano); PubMed 26543556 (cited by Quest Diagnostics Nichols Institute San Juan Capistrano); PubMed 33471991 (cited by Quest Diagnostics Nichols Institute San Juan Capistrano and Sema4); PubMed 31911673 (cited by Quest Diagnostics Nichols Institute San Juan Capistrano); PubMed 31131967 (cited by Quest Diagnostics Nichols Institute San Juan Capistrano).